The following is an entry in ClinVar:

ClinVar aggregate classification (germline): Likely benign (1 of 4 stars; one submission).

Submission:

CeGaT Center for Human Genetics Tuebingen
Classification: Likely benign. Last evaluated: 2026-08-01. Review status: criteria provided, single submitter. Criteria: CeGaT Center For Human Genetics Tuebingen Variant Classification Criteria Version 2. Collection method: clinical testing. Allele origin: germline. Affected: yes. Observed: 1 variant allele.
Comment: DSCAM: PM2:Supporting, BP4, BP7

NM_001389.5(DSCAM):c.2400G>T (p.Thr800=)

Gene: DSCAM (DS cell adhesion molecule; minus strand). Cytogenetic location: 21q22.2.
Variant type: single nucleotide variant.
Coding change: c.2400G>T on transcript NM_001389.5 (MANE Select); coding-DNA position 2400, G replaced by T.
Protein change: p.Thr800=; no amino-acid change (threonine 800 retained).
Molecular consequence: synonymous variant. On other transcripts: non-coding transcript variant (1).
Genome position (GRCh38, 1-based): chr21:40,189,195, C>A on the plus strand (G>T on the coding strand, the complement: DSCAM is on the minus strand). VCF-style: chr21-40189195-C-A. GRCh37 (hg19) VCF-style: chr21-41561122-C-A.
Other names: c.2400G>T, p.Thr800= (NM_001271534.3).
Identifiers: ClinVar variation 5040357 (VCV005040357.1).